The following is an entry in ClinVar:

ClinVar aggregate classification (germline): Uncertain significance (1 of 4 stars; one submission).

Conditions:
Alstrom syndrome (ALMS). Identifiers: Orphanet 64, MedGen C0268425, MONDO:0008763, OMIM 203800.

Submission:

Labcorp Genetics (formerly Invitae), Labcorp
Classification: Uncertain significance for Alstrom syndrome. Last evaluated: 2022-10-24. Review status: criteria provided, single submitter. Criteria: Invitae Variant Classification Sherloc (09022015). Collection method: clinical testing. Allele origin: germline.
Comment: In summary, the available evidence is currently insufficient to determine the role of this variant in disease. Therefore, it has been classified as a Variant of Uncertain Significance. Experimental studies and prediction algorithms are not available or were not evaluated, and the functional significance of this variant is currently unknown. ClinVar contains an entry for this variant (Variation ID: 860093). This variant has not been reported in the literature in individuals affected with ALMS1-related conditions. This variant is not present in population databases (gnomAD no frequency). This sequence change replaces glycine, which is neutral and non-polar, with valine, which is neutral and non-polar, at codon 2472 of the ALMS1 protein (p.Gly2472Val).

NM_001378454.1(ALMS1):c.7412G>T (p.Gly2471Val)

Gene: ALMS1 (ALMS1 centrosome and basal body associated protein; plus strand). Cytogenetic location: 2p13.1.
Variant type: single nucleotide variant.
Coding change: c.7412G>T on transcript NM_001378454.1 (MANE Select); coding-DNA position 7412, G replaced by T.
Protein change: p.Gly2471Val; replaces glycine 2471 with valine.
Molecular consequence: missense variant.
Genome position (GRCh38, 1-based): chr2:73,453,939, G>T. VCF-style: chr2-73453939-G-T. GRCh37 (hg19) VCF-style: chr2-73681066-G-T.
Other names: c.7415G>T, p.Gly2472Val (NM_015120.4); short protein forms G2471V, G2472V.
Identifiers: ClinVar variation 860093 (VCV000860093.9), dbSNP rs1672005992, ClinGen allele CA347292417.